The following is an entry in ClinVar:

NM_000092.5(COL4A4):c.1804-2del

Gene: COL4A4 (collagen type IV alpha 4 chain; minus strand). Cytogenetic location: 2q36.3.
Variant type: Deletion.
Coding change: c.1804-2del on transcript NM_000092.5 (MANE Select); the canonical splice acceptor site of the intron before coding-DNA position 1804, one base deleted (A; older notation c.1804-2delA).
Molecular consequence: splice acceptor variant.
Genome position (GRCh38, 1-based): chr2:227,078,079, T deleted on the plus strand (A on the coding strand, the reverse complement: COL4A4 is on the minus strand). VCF-style (leftmost placement, unchanged base first): chr2-227078078-CT-C. GRCh37 (hg19) VCF-style: chr2-227942794-CT-C.
Identifiers: ClinVar variation 1933669 (VCV001933669.5), dbSNP rs2474721637, ClinGen allele CA2580065832.
Genomic context (GRCh38, chr2:227,078,078, plus strand): 5'-TGGGGGGCCCAGAGGTCCAGGAAATCCTTTACCACCTGGGGTCGCATCTTCATGATCCCC[CT>C]GGGAATGTTATGTCATGAGTCAATTACCAACCACTGAATGTCCATGAACTCAAAGCAGTC-3'

ClinVar aggregate classification (germline): Likely pathogenic (1 of 4 stars; one submission).

Submission:

Labcorp Genetics (formerly Invitae), Labcorp
Classification: Likely pathogenic. Last evaluated: 2022-06-01. Review status: criteria provided, single submitter. Criteria: Invitae Variant Classification Sherloc (09022015). Collection method: clinical testing. Allele origin: germline.
Comment: This sequence change affects a splice site in intron 24 of the COL4A4 gene. It is expected to disrupt RNA splicing. Variants that disrupt the donor or acceptor splice site typically lead to a loss of protein function (PMID: 16199547), and loss-of-function variants in COL4A4 are known to be pathogenic (PMID: 21196518, 24854265, 25307543). This variant is not present in population databases (gnomAD no frequency). This variant has not been reported in the literature in individuals affected with COL4A4-related conditions. Algorithms developed to predict the effect of sequence changes on RNA splicing suggest that this variant may disrupt the consensus splice site. In summary, the currently available evidence indicates that the variant is pathogenic, but additional data are needed to prove that conclusively. Therefore, this variant has been classified as Likely Pathogenic.

Literature cited by the submitters: PubMed 16199547; PubMed 21196518; PubMed 24854265; PubMed 25307543.